The following is an entry in ClinVar:

ClinVar aggregate classification (germline): Uncertain significance (1 of 4 stars; one submission).

Conditions:
Cardiovascular phenotype. Identifiers: MedGen CN230736.

gnomAD v4.1: 5 of 1,613,766 alleles (0.00031%); highest among the groups gnomAD compares: South Asian, 0.0022%; no homozygotes.

Submission:

Ambry Genetics
Classification: Uncertain significance for Cardiovascular phenotype. Last evaluated: 2025-07-03. Review status: criteria provided, single submitter. Criteria: Ambry Variant Classification Scheme 2023. Collection method: clinical testing. Allele origin: germline.
Comment: The p.R1438G variant (also known as c.4312A>G), located in coding exon 35 of the ANK2 gene, results from an A to G substitution at nucleotide position 4312. The arginine at codon 1438 is replaced by glycine, an amino acid with dissimilar properties. This amino acid position is highly conserved in available vertebrate species. In addition, the in silico prediction for this alteration is inconclusive. Based on the available evidence, the clinical significance of this variant remains unclear.

NM_001148.6(ANK2):c.4312A>G (p.Arg1438Gly)

Gene: ANK2 (ankyrin 2; plus strand). Cytogenetic location: 4q26.
Variant type: single nucleotide variant.
Coding change: c.4312A>G on transcript NM_001148.6 (MANE Select); coding-DNA position 4312, A replaced by G.
Protein change: p.Arg1438Gly; replaces arginine 1438 with glycine.
Molecular consequence: missense variant.
Genome position (GRCh38, 1-based): chr4:113,345,963, A>G. VCF-style: chr4-113345963-A-G. GRCh37 (hg19) VCF-style: chr4-114267119-A-G.
Other names: c.4285A>G, p.Arg1429Gly (NM_001127493.3); c.4324A>G, p.Arg1442Gly (NM_001354225.2); c.4213A>G, p.Arg1405Gly (NM_001354228.2, NM_001354258.2); c.4291A>G, p.Arg1431Gly (NM_001354230.2); c.4354A>G, p.Arg1452Gly (NM_001354231.2, NM_001354242.2); c.4348A>G, p.Arg1450Gly (NM_001354232.2); c.4309A>G, p.Arg1437Gly (NM_001354235.2, NM_001354246.2, NM_001354265.2); c.4210A>G, p.Arg1404Gly (NM_001354236.2); and 31 more; short protein forms R1338G, R1391G, R1393G, R1421G, R1428G, R1437G, R1464G, R1477G.
Identifiers: ClinVar variation 4096388 (VCV004096388.1).